The following is an entry in ClinVar:

NM_006610.4(MASP2):c.1126C>T (p.Arg376Ter)

Gene: MASP2 (MBL associated serine protease 2; minus strand). Cytogenetic location: 1p36.22.
Variant type: single nucleotide variant.
Coding change: c.1126C>T on transcript NM_006610.4 (MANE Select); coding-DNA position 1126, C replaced by T.
Protein change: p.Arg376Ter; replaces arginine 376 with a stop codon.
Molecular consequence: nonsense.
Genome position (GRCh38, 1-based): chr1:11,030,844, G>A on the plus strand (C>T on the coding strand, the complement: MASP2 is on the minus strand). VCF-style: chr1-11030844-G-A. GRCh37 (hg19) VCF-style: chr1-11090901-G-A.
Other names: short protein forms R376*.
Identifiers: ClinVar variation 1678096 (VCV001678096.2), dbSNP rs368813258, ClinGen allele CA586785.

ClinVar aggregate classification (germline): Likely pathogenic. Review status: criteria provided, multiple submitters, no conflicts (2 of 4 stars). 2 submissions from 2 submitters: Likely pathogenic (2). Last evaluated 2025-07-10.

Conditions:
Immunodeficiency due to MASP-2 deficiency. Also called: MASP2 deficiency; LECTIN COMPLEMENT ACTIVATION PATHWAY, DEFECT IN, 2. Identifiers: Orphanet 331187, MedGen C3151085, MONDO:0013423, OMIM 613791.

Allele frequency attached by ClinVar (database versions not stated): ExAC 0.00002; TOPMed 0.00001; gnomAD exomes 0.00002.
gnomAD v4.1: 16 of 1,613,680 alleles (0.00099%); highest among the groups gnomAD compares: South Asian, 0.0099%; no homozygotes.

Submissions (2):

First Genomix Gene Laboratory, Genetic Diagnostics Department
Classification: Likely pathogenic for Immunodeficiency due to MASP-2 deficiency. Last evaluated: 2025-07-10. Review status: criteria provided, single submitter. Criteria: ACMG Guidelines, 2015. Collection method: clinical testing. Allele origin: germline. Inheritance: Autosomal recessive inheritance. Affected: no. Observed: 1 variant allele.

AiLife Diagnostics
Classification: Likely pathogenic. Last evaluated: 2022-03-30. Review status: criteria provided, single submitter. Criteria: ACMG Guidelines, 2015. Collection method: clinical testing. Allele origin: germline. Affected: yes. Observed: 1 variant allele.